The following is an entry in ClinVar:

NM_001144967.3(NEDD4L):c.1316C>T (p.Pro439Leu)

Gene: NEDD4L (NEDD4 like E3 ubiquitin protein ligase; plus strand). Cytogenetic location: 18q21.31.
Variant type: single nucleotide variant.
Coding change: c.1316C>T on transcript NM_001144967.3 (MANE Select); coding-DNA position 1316, C replaced by T.
Protein change: p.Pro439Leu; replaces proline 439 with leucine.
Molecular consequence: missense variant.
Genome position (GRCh38, 1-based): chr18:58,341,736, C>T. VCF-style: chr18-58341736-C-T. GRCh37 (hg19) VCF-style: chr18-56008968-C-T.
Other names: c.953C>T, p.Pro318Leu (NM_001144964.1, NM_001144965.2, NM_001144966.3); c.1292C>T, p.Pro431Leu (NM_001144968.2); c.1232C>T, p.Pro411Leu (NM_001144969.2); c.893C>T, p.Pro298Leu (NM_001144970.3, NM_001144971.2); c.1124C>T, p.Pro375Leu (NM_001243960.2); c.1256C>T, p.Pro419Leu (NM_015277.6); short protein forms P419L, P439L, P298L, P375L, P431L, P318L, P411L.
Identifiers: ClinVar variation 451267 (VCV000451267.10), dbSNP rs775630982, ClinGen allele CA8975655.

ClinVar aggregate classification (germline): Conflicting classifications of pathogenicity. Review status: criteria provided, conflicting classifications (1 of 4 stars). 3 submissions from 3 submitters: Uncertain significance (2); Benign (1). Last evaluated 2024-05-28.

Conditions:
Periventricular nodular heterotopia 7 (PVNH7). Identifiers: MedGen C4310669, MONDO:0014966, OMIM 617201.

Allele frequency attached by ClinVar (database versions not stated): TOPMed below 0.00001; gnomAD exomes 0.00001 and 0.00002; ExAC 0.00002.
gnomAD v4.1: 6 of 1,613,930 alleles (0.00037%); highest among the groups gnomAD compares: Admixed American, 0.01%; no homozygotes.

Submissions (3):

Labcorp Genetics (formerly Invitae), Labcorp
Classification: Benign. Last evaluated: 2024-05-28. Review status: criteria provided, single submitter. Criteria: Invitae Variant Classification Sherloc (09022015). Collection method: clinical testing. Allele origin: germline.

Fulgent Genetics
Classification: Uncertain significance for Periventricular nodular heterotopia 7. Last evaluated: 2021-07-22. Review status: criteria provided, single submitter. Criteria: ACMG Guidelines, 2015. Collection method: clinical testing. Allele origin: unknown.

GeneDx
Classification: Uncertain significance. Last evaluated: 2017-08-15. Review status: criteria provided, single submitter. Criteria: GeneDx Variant Classification (06012015). Collection method: clinical testing. Allele origin: germline. Affected: yes.
Comment: The P419L variant has not been published as a pathogenic variant, nor has it been reported as abenign variant to our knowledge. It is not observed in large population cohorts (Lek et al., 2016;1000 Genomes Consortium et al., 2015; Exome Variant Server). The P419L variant is asemi-conservative amino acid substitutio that occurs at a conserved position that is not predicted tooccur within a known functional domain. In silico analysis predicts this variant is probably damagingto the protein structure/function. Therefore, based on the currently available information, it is unclearwhether this variant is a pathogenic variant or a rare benign variant.